The following is an entry in ClinVar:

NM_006000.3(TUBA4A):c.1146C>T (p.Thr382=)

Gene: TUBA4A (tubulin alpha 4a; minus strand). Cytogenetic location: 2q35.
Variant type: single nucleotide variant.
Coding change: c.1146C>T on transcript NM_006000.3 (MANE Select); coding-DNA position 1146, C replaced by T.
Protein change: p.Thr382=; no amino-acid change (threonine 382 retained).
Molecular consequence: synonymous variant.
Genome position (GRCh38, 1-based): chr2:219,250,553, G>A on the plus strand (C>T on the coding strand, the complement: TUBA4A is on the minus strand). VCF-style: chr2-219250553-G-A. GRCh37 (hg19) VCF-style: chr2-220115275-G-A.
Other names: c.1101C>T, p.Thr367= (NM_001278552.2).
Identifiers: ClinVar variation 3046444 (VCV003046444.2), dbSNP rs373071036, ClinGen allele CA2122377.

ClinVar aggregate classification (germline): Likely benign (0 of 4 stars; one submission).

Conditions:
TUBA4A-related disorder. Also called: TUBA4A-related condition.

Allele frequency attached by ClinVar (database versions not stated): ExAC 0.00001; gnomAD 0.00003; ESP Exome Variant Server 0.00008.
gnomAD v4.1: 68 of 1,614,086 alleles (0.0042%); highest among the groups gnomAD compares: Non-Finnish European, 0.0053%; no homozygotes.

Submission:

PreventionGenetics, part of Exact Sciences
Classification: Likely benign for TUBA4A-related condition. Last evaluated: 2023-01-10. Review status: no assertion criteria provided. Collection method: clinical testing. Allele origin: germline.
Comment: This variant is classified as likely benign based on ACMG/AMP sequence variant interpretation guidelines (Richards et al. 2015 PMID: 25741868, with internal and published modifications).